The following is an entry in ClinVar:

ClinVar aggregate classification (germline): Conflicting classifications of pathogenicity. Review status: criteria provided, conflicting classifications (1 of 4 stars). 3 submissions from 3 submitters: Uncertain significance (1); Benign (1). 1 of the submissions does not count toward it. Last evaluated 2024-10-21.

Conditions:
DNAH11-related disorder. Also called: DNAH11-related condition.
Primary ciliary dyskinesia. Also called: Ciliary dyskinesia. Identifiers: Orphanet 244, MedGen C0008780, MONDO:0016575, HP:0012265.

Allele frequency attached by ClinVar (database versions not stated): ExAC 0.00003.
gnomAD v4.1: 35 of 1,607,464 alleles (0.0022%); highest among the groups gnomAD compares: South Asian, 0.0033%; no homozygotes.

Submissions (3):

Labcorp Genetics (formerly Invitae), Labcorp
Classification: Benign for Primary ciliary dyskinesia. Last evaluated: 2024-10-21. Review status: criteria provided, single submitter. Criteria: Invitae Variant Classification Sherloc (09022015). Collection method: clinical testing. Allele origin: germline.

Ambry Genetics
Classification: Uncertain significance for Primary ciliary dyskinesia. Last evaluated: 2024-01-03. Review status: criteria provided, single submitter. Criteria: Ambry Variant Classification Scheme 2023. Collection method: clinical testing. Allele origin: germline.

PreventionGenetics, part of Exact Sciences
Classification: Uncertain significance for DNAH11-related condition. Last evaluated: 2024-03-06. Review status: no assertion criteria provided. Collection method: clinical testing. Allele origin: germline. Not counted in ClinVar's aggregate classification.
Comment: The DNAH11 c.2354T>C variant is predicted to result in the amino acid substitution p.Ile785Thr. To our knowledge, this variant has not been reported in the literature. This variant is reported in 0.0052% of alleles in individuals of East Asian descent in gnomAD. At this time, the clinical significance of this variant is uncertain due to the absence of conclusive functional and genetic evidence.

NM_001277115.2(DNAH11):c.2354T>C (p.Ile785Thr)

Gene: DNAH11 (dynein axonemal heavy chain 11; plus strand). Cytogenetic location: 7p15.3.
Variant type: single nucleotide variant.
Coding change: c.2354T>C on transcript NM_001277115.2 (MANE Select); coding-DNA position 2354, T replaced by C.
Protein change: p.Ile785Thr; replaces isoleucine 785 with threonine.
Molecular consequence: missense variant.
Genome position (GRCh38, 1-based): chr7:21,591,264, T>C. VCF-style: chr7-21591264-T-C. GRCh37 (hg19) VCF-style: chr7-21630882-T-C.
Other names: c.2354T>C, p.Ile785Thr (NM_003777.3); c.2354T>C (NM_001277115.1); short protein forms I785T.
Identifiers: ClinVar variation 2892595 (VCV002892595.5), dbSNP rs749673513, ClinGen allele CA4179316.
Genomic context (GRCh38, chr7:21,591,264, plus strand): 5'-TTCTTGTGCAAGGGTATAATAAACTCAAACAGACGCTCCTGGAAGTTGAATACCCTCTGA[T>C]TGAAGATGAGCTGAGGGCTATTGACGAGCAGCTGACAGCAGCCACAACGTGGCTGACATG-3'
Protein context (NP_001264044.1, residues 775-795): QTLLEVEYPL[Ile785Thr]EDELRAIDEQ